The following is an entry in ClinVar:

NM_012448.4(STAT5B):c.562C>G (p.Pro188Ala)

Gene: STAT5B (signal transducer and activator of transcription 5B; minus strand). Cytogenetic location: 17q21.2.
Variant type: single nucleotide variant.
Coding change: c.562C>G on transcript NM_012448.4 (MANE Select); coding-DNA position 562, C replaced by G.
Protein change: p.Pro188Ala; replaces proline 188 with alanine.
Molecular consequence: missense variant.
Genome position (GRCh38, 1-based): chr17:42,219,831, G>C on the plus strand (C>G on the coding strand, the complement: STAT5B is on the minus strand). VCF-style: chr17-42219831-G-C. GRCh37 (hg19) VCF-style: chr17-40371849-G-C.
Other names: short protein forms P188A.
Identifiers: ClinVar variation 5008679 (VCV005008679.1).

ClinVar aggregate classification (germline): Uncertain significance (1 of 4 stars; one submission).

gnomAD v4.1: 3 of 1,614,066 alleles (0.00019%); highest among the groups gnomAD compares: African/African-American, 0.004%; no homozygotes.

Submission:

GeneDx
Classification: Uncertain significance. Last evaluated: 2026-03-19. Review status: criteria provided, single submitter. Criteria: GeneDx Variant Classification Process June 2021. Collection method: clinical testing. Allele origin: germline.
Comment: Not observed at significant frequency in large population cohorts (gnomAD); In silico analysis suggests that this missense variant does not alter protein structure/function; Has not been previously published as pathogenic or benign to our knowledge